The following is an entry in ClinVar:

ClinVar aggregate classification (germline): Uncertain significance (1 of 4 stars; one submission).

gnomAD v4.1: 8 of 1,613,806 alleles (0.0005%); highest among the groups gnomAD compares: Non-Finnish European, 0.00068%; no homozygotes.

Submission:

Labcorp Genetics (formerly Invitae), Labcorp
Classification: Uncertain significance. Last evaluated: 2025-03-31. Review status: criteria provided, single submitter. Criteria: Invitae Variant Classification Sherloc (09022015). Collection method: clinical testing. Allele origin: germline.
Comment: This sequence change replaces valine, which is neutral and non-polar, with glycine, which is neutral and non-polar, at codon 618 of the SEMA4A protein (p.Val618Gly). This variant is not present in population databases (gnomAD no frequency). This variant has not been reported in the literature in individuals affected with SEMA4A-related conditions. Invitae Evidence Modeling of protein sequence and biophysical properties (such as structural, functional, and spatial information, amino acid conservation, physicochemical variation, residue mobility, and thermodynamic stability) indicates that this missense variant is not expected to disrupt SEMA4A protein function with a negative predictive value of 80%. In summary, the available evidence is currently insufficient to determine the role of this variant in disease. Therefore, it has been classified as a Variant of Uncertain Significance.

NM_022367.4(SEMA4A):c.1853T>G (p.Val618Gly)

Gene: SEMA4A (semaphorin 4A; plus strand). Cytogenetic location: 1q22.
Variant type: single nucleotide variant.
Coding change: c.1853T>G on transcript NM_022367.4 (MANE Select); coding-DNA position 1853, T replaced by G.
Protein change: p.Val618Gly; replaces valine 618 with glycine.
Molecular consequence: missense variant.
Genome position (GRCh38, 1-based): chr1:156,176,564, T>G. VCF-style: chr1-156176564-T-G. GRCh37 (hg19) VCF-style: chr1-156146355-T-G.
Other names: c.1853T>G, p.Val618Gly (NM_001193300.2, NM_001193301.2, NM_001370567.1); c.1457T>G, p.Val486Gly (NM_001193302.2); c.1556T>G, p.Val519Gly (NM_001370568.1); c.1346T>G, p.Val449Gly (NM_001370569.1, NM_001370571.1); short protein forms V449G, V486G, V519G, V618G.
Identifiers: ClinVar variation 4772202 (VCV004772202.1).